The following is an entry in ClinVar:

NM_000143.4(FH):c.244_245dup (p.Gly83fs)

Gene: FH (fumarate hydratase; minus strand). Cytogenetic location: 1q43.
Variant type: Duplication.
Coding change: c.244_245dup on transcript NM_000143.4 (MANE Select); coding-DNA positions 244 to 245, 2 bases duplicated (GG; older notation c.244_245dupGG).
Protein change: p.Gly83fs; shifts the reading frame from glycine 83.
Molecular consequence: frameshift variant.
Genome position (GRCh38, 1-based): chr1:241,517,204-241,517,205, CC duplicated on the plus strand (GG on the coding strand, the reverse complement: FH is on the minus strand). VCF-style (leftmost placement, unchanged base first): chr1-241517203-T-TCC. GRCh37 (hg19) VCF-style: chr1-241680503-T-TCC.
Other names: short protein forms G83fs.
Identifiers: ClinVar variation 2718053 (VCV002718053.3), dbSNP rs2527340172, ClinGen allele CA2697547766.

ClinVar aggregate classification (germline): Pathogenic (1 of 4 stars; one submission).

Submission:

Labcorp Genetics (formerly Invitae), Labcorp
Classification: Pathogenic. Last evaluated: 2023-06-16. Review status: criteria provided, single submitter. Criteria: Invitae Variant Classification Sherloc (09022015). Collection method: clinical testing. Allele origin: germline.
Comment: For these reasons, this variant has been classified as Pathogenic. This variant has not been reported in the literature in individuals affected with FH-related conditions. This variant is not present in population databases (gnomAD no frequency). This sequence change creates a premature translational stop signal (p.Gly83Glufs*3) in the FH gene. It is expected to result in an absent or disrupted protein product. Loss-of-function variants in FH are known to be pathogenic (PMID: 11865300, 21398687).

Literature cited by the submitters: PubMed 11865300; PubMed 21398687.